The following is an entry in ClinVar:

NM_000180.4(GUCY2D):c.3205C>T (p.Pro1069Ser)

Gene: GUCY2D (guanylate cyclase 2D, retinal; plus strand). Cytogenetic location: 17p13.1.
Variant type: single nucleotide variant.
Coding change: c.3205C>T on transcript NM_000180.4 (MANE Select); coding-DNA position 3205, C replaced by T.
Protein change: p.Pro1069Ser; replaces proline 1069 with serine.
Molecular consequence: missense variant.
Genome position (GRCh38, 1-based): chr17:8,016,271, C>T. VCF-style: chr17-8016271-C-T. GRCh37 (hg19) VCF-style: chr17-7919589-C-T.
Other names: short protein forms P1069S.
Identifiers: ClinVar variation 1525273 (VCV001525273.8), dbSNP rs1187326101, ClinGen allele CA397956110.

ClinVar aggregate classification (germline): Uncertain significance (1 of 4 stars; one submission).

Conditions:
Cone-rod dystrophy 6 (CORD6). Also called: RETINAL CONE DYSTROPHY 2; Cone dystrophy progressive. Identifiers: Orphanet 1872, MedGen C1866293, MONDO:0011143, OMIM 601777.
Leber congenital amaurosis 1 (LCA1). Also called: AMAUROSIS CONGENITA OF LEBER I; RETINAL BLINDNESS, CONGENITAL; Congenital absence of the rods and cones; Leber's congenital tapetoretinal degeneration; Leber's congenital tapetoretinal dysplasia. Identifiers: Orphanet 65, MedGen C2931258, MONDO:0008764, OMIM 204000.

Allele frequency attached by ClinVar (database versions not stated): gnomAD 0.00001.

Submission:

Labcorp Genetics (formerly Invitae), Labcorp
Classification: Uncertain significance for Leber congenital amaurosis 1; Cone-rod dystrophy 6. Last evaluated: 2021-07-17. Review status: criteria provided, single submitter. Criteria: Invitae Variant Classification Sherloc (09022015). Collection method: clinical testing. Allele origin: germline.
Comment: Algorithms developed to predict the effect of missense changes on protein structure and function are either unavailable or do not agree on the potential impact of this missense change (SIFT: "Deleterious"; PolyPhen-2: "Possibly Damaging"; Align-GVGD: "Class C0"). This sequence change replaces proline with serine at codon 1069 of the GUCY2D protein (p.Pro1069Ser). The proline residue is highly conserved and there is a moderate physicochemical difference between proline and serine. This variant is not present in population databases (ExAC no frequency). This variant has not been reported in the literature in individuals affected with GUCY2D-related conditions. In summary, the available evidence is currently insufficient to determine the role of this variant in disease. Therefore, it has been classified as a Variant of Uncertain Significance.